The following is an entry in ClinVar:

ClinVar aggregate classification (germline): Uncertain significance (1 of 4 stars; one submission).

Conditions:
Familial cancer of breast. Also called: hereditary breast carcinoma; BREAST CANCER, FAMILIAL; Hereditary breast cancer. Identifiers: Orphanet 227535, MedGen C0346153, MONDO:0016419, OMIM 114480. Disease mechanism: loss of function.

gnomAD v4.1: 1 of 1,614,202 alleles (0.000062%); no homozygotes.

Submission:

Labcorp Genetics (formerly Invitae), Labcorp
Classification: Uncertain significance for Familial cancer of breast. Last evaluated: 2023-02-05. Review status: criteria provided, single submitter. Criteria: Invitae Variant Classification Sherloc (09022015). Collection method: clinical testing. Allele origin: germline.
Comment: Advanced modeling of protein sequence and biophysical properties (such as structural, functional, and spatial information, amino acid conservation, physicochemical variation, residue mobility, and thermodynamic stability) performed at Invitae indicates that this missense variant is not expected to disrupt PALB2 protein function. In summary, the available evidence is currently insufficient to determine the role of this variant in disease. Therefore, it has been classified as a Variant of Uncertain Significance. This variant has not been reported in the literature in individuals affected with PALB2-related conditions. This variant is not present in population databases (gnomAD no frequency). This sequence change replaces serine, which is neutral and polar, with proline, which is neutral and non-polar, at codon 700 of the PALB2 protein (p.Ser700Pro).

NM_024675.4(PALB2):c.2098T>C (p.Ser700Pro)

Gene: PALB2 (partner and localizer of BRCA2; minus strand). Cytogenetic location: 16p12.2.
Variant type: single nucleotide variant.
Coding change: c.2098T>C on transcript NM_024675.4 (MANE Select); coding-DNA position 2098, T replaced by C.
Protein change: p.Ser700Pro; replaces serine 700 with proline.
Molecular consequence: missense variant. On other transcripts: intron variant (1).
Genome position (GRCh38, 1-based): chr16:23,630,056, A>G on the plus strand (T>C on the coding strand, the complement: PALB2 is on the minus strand). VCF-style: chr16-23630056-A-G. GRCh37 (hg19) VCF-style: chr16-23641377-A-G.
Other names: c.2098T>C, p.Ser700Pro (NM_001407297.1, NM_001407301.1, NM_001407299.1 and 3 more transcripts); c.2038T>C, p.Ser680Pro (NM_001407296.1); c.1213T>C, p.Ser405Pro (NM_001407304.1, NM_001407305.1, NM_001407306.1 and 5 more transcripts); c.310T>C, p.Ser104Pro (NM_001407312.1, NM_001407313.1); c.49-781T>C (NM_001407314.1); short protein forms S700P, S405P, S680P, S104P.
Identifiers: ClinVar variation 2832862 (VCV002832862.3), dbSNP rs2142381220, ClinGen allele CA395125801.